The following is an entry in ClinVar:

NM_006420.3(ARFGEF2):c.5209C>T (p.Pro1737Ser)

Gene: ARFGEF2 (ARF guanine nucleotide exchange factor 2; plus strand). Cytogenetic location: 20q13.13.
Variant type: single nucleotide variant.
Coding change: c.5209C>T on transcript NM_006420.3 (MANE Select); coding-DNA position 5209, C replaced by T.
Protein change: p.Pro1737Ser; replaces proline 1737 with serine.
Molecular consequence: missense variant.
Genome position (GRCh38, 1-based): chr20:49,033,050, C>T. VCF-style: chr20-49033050-C-T. GRCh37 (hg19) VCF-style: chr20-47649587-C-T.
Other names: short protein forms P1737S.
Identifiers: ClinVar variation 1365273 (VCV001365273.8), dbSNP rs2123591402, ClinGen allele CA409339855.

ClinVar aggregate classification (germline): Uncertain significance (1 of 4 stars; one submission).

Submission:

Labcorp Genetics (formerly Invitae), Labcorp
Classification: Uncertain significance. Last evaluated: 2022-06-17. Review status: criteria provided, single submitter. Criteria: Invitae Variant Classification Sherloc (09022015). Collection method: clinical testing. Allele origin: germline.
Comment: In summary, the available evidence is currently insufficient to determine the role of this variant in disease. Therefore, it has been classified as a Variant of Uncertain Significance. Algorithms developed to predict the effect of missense changes on protein structure and function (SIFT, PolyPhen-2, Align-GVGD) all suggest that this variant is likely to be tolerated. This variant has not been reported in the literature in individuals affected with ARFGEF2-related conditions. This variant is not present in population databases (gnomAD no frequency). This sequence change replaces proline, which is neutral and non-polar, with serine, which is neutral and polar, at codon 1737 of the ARFGEF2 protein (p.Pro1737Ser).